The following is an entry in ClinVar:

NM_182931.3(KMT2E):c.4829dup (p.Leu1610fs)

Gene: KMT2E (lysine methyltransferase 2E (inactive); plus strand). Cytogenetic location: 7q22.3.
Variant type: Duplication.
Coding change: c.4829dup on transcript NM_182931.3 (MANE Select); coding-DNA position 4829, one base duplicated (T; older notation c.4829dupT).
Protein change: p.Leu1610fs; shifts the reading frame from leucine 1610.
Molecular consequence: frameshift variant.
Genome position (GRCh38, 1-based): chr7:105,112,585, T duplicated; the last of 6 consecutive T bases (chr7:105,112,580-105,112,585); duplicating any one gives the same sequence. VCF-style (leftmost placement, unchanged base first): chr7-105112579-A-AT. GRCh37 (hg19) VCF-style: chr7-104753026-A-AT.
Other names: c.4829dup, p.Leu1610fs (NM_018682.4); c.4829dupT (NM_182931.2); short protein forms L1610fs.
Identifiers: ClinVar variation 1068464 (VCV001068464.15), dbSNP rs1243172283, ClinGen allele CA830936630.

ClinVar aggregate classification (germline): Pathogenic/Likely pathogenic. Review status: criteria provided, multiple submitters, no conflicts (2 of 4 stars). 8 submissions from 8 submitters: Pathogenic (3); Likely pathogenic (3). 2 of the submissions do not count toward it. Last evaluated 2026-01-27.

Conditions:
KMT2E-related disorder. Also called: KMT2E-related condition.
O'Donnell-Luria-Rodan syndrome (ODLURO). Also called: KMT2E-Related Neurodevelopmental Disorder. Identifiers: MedGen C5193138, MONDO:0032793, OMIM 618512.
Inborn genetic diseases. Identifiers: MedGen C0950123, MeSH D030342.

Submissions (8):

Victorian Clinical Genetics Services, Murdoch Childrens Research Institute
Classification: Likely pathogenic for O'Donnell-Luria-Rodan syndrome. Last evaluated: 2026-01-27. Review status: criteria provided, single submitter. Criteria: ACMG Guidelines, 2015. Collection method: clinical testing. Allele origin: germline. Affected: yes.
Comment: This variant is classified as Likely pathogenic. Evidence in support of pathogenic classification: Variant is predicted to result in an elongated protein; Variant is present in gnomAD <0.001 for a dominant condition (v4: 1 heterozygote(s), 0 homozygote(s)); This variant has strong previous evidence of pathogenicity in unrelated individuals. This variant has been classified as pathogenic and likely pathogenic by multiple clinical laboratories in ClinVar, and reported in the literature as de novo in individuals with O'Donnell-Luria-Rodan syndrome (PMIDs: 31079897, 34321323, 39433808); Other elongation variants comparable to the one identified in this case have strong previous evidence for pathogenicity. Multiple elongation variants have been classified as pathogenic by clinical laboratories in ClinVar in addition to VUS entries, and have been reported in the literature in individuals with KMT2E-related symptoms (PMIDs: 31079897, 34321323, 39433808). Additional information: This variant is heterozygous; This gene is associated with autosomal dominant disease; No published evidence of segregation with disease has been identified for this variant; No published functional evidence has been identified for this variant; Loss of function is a known mechanism of disease in this gene and is associated with O'Donnell-Luria-Rodan syndrome (MIM#618512); Variants in this gene are known to have variable expressivity (OMIM); Inheritance information for this variant is not currently available in this individual.

Department of Rehabilitation, Children's Hospital of Nanjing Medical University
Classification: Likely pathogenic for O'Donnell-Luria-Rodan syndrome. Last evaluated: 2024-01-16. Review status: criteria provided, single submitter. Criteria: ACMG Guidelines, 2015. Collection method: clinical testing. Allele origin: germline. Affected: yes.
Comment: PVS1_Strong,PM2_Supporting,PM6

Ambry Genetics
Classification: Pathogenic for Inborn genetic diseases. Last evaluated: 2023-12-14. Review status: criteria provided, single submitter. Criteria: Ambry Variant Classification Scheme 2023. Collection method: clinical testing. Allele origin: germline.
Comment: The c.4829dupT (p.L1610Ffs*259) alteration, located in exon 27 (coding exon 25) of the KMT2E gene, consists of a duplication of T at position 4829, causing a translational frameshift with a predicted alternate stop codon after 259 amino acids. This alteration occurs at the 3' terminus of the KMT2E gene, is not expected to trigger nonsense-mediated mRNA decay and results in the elongation of the protein by 11 amino acids. This frameshift impacts the last 13% of the native protein. Frameshifts are typically deleterious in nature, the impacted region is critical for protein function, and a significant portion of the protein is affected (Ambry internal data). This variant was not reported in population-based cohorts in the Genome Aggregation Database (gnomAD). This variant has been determined to be the result of a de novo mutation in two individuals with features consistent with O'Donnell-Luria-Rodan syndrome (O'Donnell-Luria, 2019; Velmans, 2022). Based on the available evidence, this alteration is classified as pathogenic.

Clinical Genetics Laboratory, Skane University Hospital Lund
Classification: Pathogenic. Last evaluated: 2023-12-07. Review status: criteria provided, single submitter. Criteria: ACMG Guidelines, 2015. Collection method: clinical testing. Allele origin: germline. Affected: yes.

Labcorp Genetics (formerly Invitae), Labcorp
Classification: Pathogenic. Last evaluated: 2023-09-17. Review status: criteria provided, single submitter. Criteria: Invitae Variant Classification Sherloc (09022015). Collection method: clinical testing. Allele origin: germline.
Comment: For these reasons, this variant has been classified as Pathogenic. This variant results in an extension of the KMT2E protein. Other variant(s) that result in a similarly extended protein product (p.Pro1686Serfs*183) have been determined to be pathogenic (Invitae). This suggests that these extensions are likely to be disease-causing. ClinVar contains an entry for this variant (Variation ID: 1068464). This frameshift has been observed in individual(s) with clinical features of KMT2E-related neurodevelopmental disorder (PMID: 31079897). In at least one individual the variant was observed to be de novo. This variant is not present in population databases (gnomAD no frequency). This sequence change results in a frameshift in the KMT2E gene (p.Leu1610Phefs*259). While this is not anticipated to result in nonsense mediated decay, it is expected to disrupt the last 249 amino acid(s) of the KMT2E protein and extend the protein by 9 additional amino acid residues.

Institute of Human Genetics, Cologne University
Classification: Likely pathogenic for O'Donnell-Luria-Rodan syndrome. Last evaluated: 2021-04-28. Review status: criteria provided, single submitter. Criteria: ACMG Guidelines, 2015. Collection method: clinical testing. Allele origin: de novo. Affected: yes. Observed: 1 variant allele.

PreventionGenetics, part of Exact Sciences
Classification: Pathogenic for KMT2E-related condition. Last evaluated: 2024-09-13. Review status: no assertion criteria provided. Collection method: clinical testing. Allele origin: germline. Not counted in ClinVar's aggregate classification.
Comment: The KMT2E c.4829dupT variant is predicted to result in a frameshift and premature protein termination (p.Leu1610Phefs*259). This variant has been reported de novo in at least two individuals with clinical features consistent with O'Donnell-Luria-Rodan syndrome (O'Donnell-Luria et al. 2019. PubMed ID: 31079897; patient 10 in Velmans C et al 2021. PubMed ID: 34321323). This variant was also reported to be paternally-inherited in a patient with ADHD and an unspecified learning disorder; however, a family history of neurodevelopmental disorders was not indicated (family AD17, reported as c.4824dupT in Arnett AB et al 2024. PubMed ID: 37983059). At PreventionGenetics, we previously identified this variant in two additional patients with neurodevelopmental disorders (internal database). This variant has not been reported in a large population database, indicating it is rare. Frameshift variants in KMT2E are expected to be pathogenic. This variant is interpreted as pathogenic.

OMIM
Classification: Pathogenic for O'DONNELL-LURIA-RODAN SYNDROME. Last evaluated: 2024-04-08. Review status: no assertion criteria provided. Collection method: literature only. Allele origin: germline. Not counted in ClinVar's aggregate classification.

Literature cited by the submitters: PubMed 31079897 (cited by 4 submitters); PubMed 34321323 (cited by 3 submitters); PubMed 39433808 (cited by Victorian Clinical Genetics Services, Murdoch Childrens Research Institute).